The following is an entry in ClinVar:

ClinVar aggregate classification (germline): Uncertain significance (1 of 4 stars; one submission).

Conditions:
Hereditary cancer-predisposing syndrome. Also called: Hereditary neoplastic syndrome; Neoplastic Syndromes, Hereditary; Tumor predisposition; Hereditary Cancer Syndrome. Identifiers: Orphanet 140162, MedGen C0027672, MeSH D009386, MONDO:0015356.

Submission:

Ambry Genetics
Classification: Uncertain significance for Hereditary cancer-predisposing syndrome. Last evaluated: 2025-07-21. Review status: criteria provided, single submitter. Criteria: Ambry Variant Classification Scheme 2023. Collection method: clinical testing. Allele origin: germline.
Comment: The c.145+778T>G intronic variant results from a T to G substitution 778 nucleotides after coding exon 1 in the RAD51C gene. This nucleotide position is highly conserved in available vertebrate species. In silico splice site analysis predicts that this alteration will result in the creation or strengthening of a novel splice donor site; however, direct evidence is insufficient at this time (Ambry internal data). Based on the available evidence, the clinical significance of this alteration remains unclear.

NM_058216.3(RAD51C):c.145+778T>G

Gene: RAD51C (RAD51 paralog C; plus strand). Cytogenetic location: 17q22.
Variant type: single nucleotide variant.
Coding change: c.145+778T>G on transcript NM_058216.3 (MANE Select); 778 bases into the intron after coding-DNA position 145, T replaced by G.
Molecular consequence: intron variant.
Genome position (GRCh38, 1-based): chr17:58,693,566, T>G. VCF-style: chr17-58693566-T-G. GRCh37 (hg19) VCF-style: chr17-56770927-T-G.
Other names: c.145+778T>G (NM_002876.4).
Identifiers: ClinVar variation 4149889 (VCV004149889.1).